The following is an entry in ClinVar:

ClinVar aggregate classification (germline): Benign/Likely benign. Review status: criteria provided, multiple submitters, no conflicts (2 of 4 stars). 11 submissions from 9 submitters: Benign (6); Likely benign (5). Last evaluated 2026-01-19.

Conditions:
Cardiovascular phenotype. Identifiers: MedGen CN230736.
Arrhythmogenic right ventricular dysplasia 8 (ARVD8). Also called: ARRHYTHMOGENIC RIGHT VENTRICULAR CARDIOMYOPATHY 8; Arrhythmogenic Right Ventricular Dysplasia/Cardiomyopathy 8; ARRHYTHMOGENIC RIGHT VENTRICULAR DYSPLASIA, FAMILIAL, 8. Identifiers: MedGen C1843896, MONDO:0011831, OMIM 607450.
Arrhythmogenic cardiomyopathy with wooly hair and keratoderma. Also called: Arrhythmogenic cardiomyopathy with woolly hair and keratoderma; Carvajal syndrome; PALMOPLANTAR KERATODERMA WITH LEFT VENTRICULAR CARDIOMYOPATHY AND WOOLLY HAIR; Dilated cardiomyopathy with woolly hair and keratoderma. Identifiers: Orphanet 65282, MedGen C1854063, MONDO:0011581, OMIM 605676.
Cardiomyopathy (CMYO). Also called: Cardiomyopathies. Identifiers: Orphanet 167848, MedGen C0878544, MONDO:0004994, HP:0001638. Inheritance: Various modes of inheritance.
Lethal acantholytic epidermolysis bullosa (EBLA). Identifiers: Orphanet 158687, MedGen C1864826, MONDO:0012323, OMIM 609638.
Woolly hair-skin fragility syndrome (WHSF). Identifiers: Orphanet 293165, MedGen C1843292, MONDO:0957307, OMIM 620415.

Allele frequency attached by ClinVar (database versions not stated): TOPMed 0.00021; 1000 Genomes Project 30x 0.00047; 1000 Genomes Project 0.00060; ESP Exome Variant Server 0.00085; ExAC 0.00133; gnomAD 0.00197.
gnomAD v4.1: 1,355 of 1,614,146 alleles (0.084%); highest among the groups gnomAD compares: Non-Finnish European, 0.033%; 11 homozygotes.

Submissions (11):

Labcorp Genetics (formerly Invitae), Labcorp
Classification: Benign for Arrhythmogenic cardiomyopathy with wooly hair and keratoderma; Arrhythmogenic right ventricular dysplasia 8. Last evaluated: 2026-01-19. Review status: criteria provided, single submitter. Criteria: Invitae Variant Classification Sherloc (09022015). Collection method: clinical testing. Allele origin: germline.

Blueprint Genetics
Classification: Likely benign. Last evaluated: 2024-11-20. Review status: criteria provided, single submitter. Criteria: ACMG Guidelines, 2015. Collection method: clinical testing. Allele origin: germline.

All of Us Research Program, National Institutes of Health
Classification: Benign for Arrhythmogenic cardiomyopathy with wooly hair and keratoderma. Last evaluated: 2024-09-23. Review status: criteria provided, single submitter. Criteria: ACMG Guidelines, 2015. Collection method: clinical testing. Allele origin: germline. Inheritance: Autosomal dominant inheritance. Observed: 85 variant alleles, 85 heterozygotes.
Comment: This study involves interpretation of variants in research participants for the purpose of population health screening. Participant phenotype was not available at the time of variant classification. Additional details can be found in publication PMID: 35346344, PMCID: PMC8962531

Ambry Genetics
Classification: Benign for Cardiovascular phenotype. Last evaluated: 2021-12-09. Review status: criteria provided, single submitter. Criteria: Ambry Variant Classification Scheme 2023. Collection method: clinical testing. Allele origin: germline.

Illumina Laboratory Services, Illumina
Classification: Likely benign for Arrhythmogenic right ventricular dysplasia 8. Last evaluated: 2018-11-28. Review status: criteria provided, single submitter. Criteria: ICSL Variant Classification Criteria 13 December 2019. Collection method: clinical testing. Allele origin: germline.
Comment: This variant was observed as part of a predisposition screen in an ostensibly healthy population. A literature search was performed for the gene, cDNA change, and amino acid change (where applicable). Publications were found based on this search. The evidence from the literature, in combination with allele frequency data from public databases where available, was sufficient to determine this variant is unlikely to cause disease. Therefore, this variant is classified as likely benign.

Illumina Laboratory Services, Illumina
Classification: Likely benign for Arrhythmogenic cardiomyopathy with wooly hair and keratoderma. Last evaluated: 2018-11-28. Review status: criteria provided, single submitter. Criteria: ICSL Variant Classification Criteria 13 December 2019. Collection method: clinical testing. Allele origin: germline.
Comment: This variant was observed as part of a predisposition screen in an ostensibly healthy population. A literature search was performed for the gene, cDNA change, and amino acid change (where applicable). No publications were found based on this search. Allele frequency data from public databases allowed determination this variant is unlikely to cause disease. Therefore, this variant is classified as likely benign.

Illumina Laboratory Services, Illumina
Classification: Likely benign for Lethal acantholytic epidermolysis bullosa. Last evaluated: 2018-11-28. Review status: criteria provided, single submitter. Criteria: ICSL Variant Classification Criteria 13 December 2019. Collection method: clinical testing. Allele origin: germline.
Comment: the same text as in the submission from Illumina Laboratory Services, Illumina above.

Color Diagnostics, LLC DBA Color Health
Classification: Benign for Cardiomyopathy. Last evaluated: 2018-03-08. Review status: criteria provided, single submitter. Criteria: ACMG Guidelines, 2015. Collection method: clinical testing. Allele origin: germline.

CHEO Genetics Diagnostic Laboratory, Children's Hospital of Eastern Ontario
Classification: Benign for Cardiomyopathy. Last evaluated: 2018-01-12. Review status: criteria provided, single submitter. Criteria: ACMG Guidelines, 2015. Collection method: clinical testing. Allele origin: germline.

GeneDx
Classification: Benign. Last evaluated: 2014-04-07. Review status: criteria provided, single submitter. Criteria: GeneDx Variant Classification (06012015). Collection method: clinical testing. Allele origin: germline. Affected: yes.
Comment: This variant is considered likely benign or benign based on one or more of the following criteria: it is a conservative change, it occurs at a poorly conserved position in the protein, it is predicted to be benign by multiple in silico algorithms, and/or has population frequency not consistent with disease.

Biesecker Lab/Clinical Genomics Section, National Institutes of Health
Classification: Likely benign. Last evaluated: 2013-06-24. Review status: criteria provided, single submitter. Criteria: Ng et al. (Circ Cardiovasc Genet. 2013). Collection method: research. Allele origin: unknown. Observed: 1 variant allele. Study: ClinSeq.
Comment: The study set was not selected for affection status in relation to any cancer. Pathogenicity categories were based on literature curation. See Pubmed ID:23861362 for details.

Medical sequencing

Literature cited by the submitters: PubMed 30775854 (cited by Ambry Genetics); PubMed 23861362 (cited by Illumina Laboratory Services, Illumina).

NM_004415.4(DSP):c.4588G>T (p.Val1530Phe)

Gene: DSP (desmoplakin; plus strand). Cytogenetic location: 6p24.3.
Variant type: single nucleotide variant.
Coding change: c.4588G>T on transcript NM_004415.4 (MANE Select); coding-DNA position 4588, G replaced by T.
Protein change: p.Val1530Phe; replaces valine 1530 with phenylalanine.
Molecular consequence: missense variant. On other transcripts: intron variant (2).
Genome position (GRCh38, 1-based): chr6:7,580,778, G>T. VCF-style: chr6-7580778-G-T. GRCh37 (hg19) VCF-style: chr6-7581011-G-T.
Other names: p.V1530F:GTT>TTT; c.4588G>T (LRG_423t1); c.4050+538G>T (NM_001319034.2); c.3582+1006G>T (NM_001008844.3); short protein forms V1530F.
Identifiers: ClinVar variation 137171 (VCV000137171.23), dbSNP rs141227126, ClinGen allele CA004128.